The following is an entry in ClinVar:

ClinVar aggregate classification (germline): Uncertain significance (1 of 4 stars; one submission).

Conditions:
Kleefstra syndrome 1 (KLEFS1). Identifiers: Orphanet 261494, MedGen C0795833, MONDO:0027407, OMIM 610253.

Submission:

Victorian Clinical Genetics Services, Murdoch Childrens Research Institute
Classification: Uncertain significance for Kleefstra syndrome 1. Last evaluated: 2020-05-25. Review status: criteria provided, single submitter. Criteria: ACMG Guidelines, 2015. Collection method: clinical testing. Allele origin: germline. Inheritance: Autosomal dominant inheritance. Affected: yes.
Comment: Based on the classification scheme VCGS_Germline_v1.1.1, this variant is classified as VUS – 3B. Following criteria are met: 0102 - Loss-of-function is a known mechanism of disease for this gene. (N) 0107 - This gene is known to be associated with autosomal dominant disease. (N) 0212 – Synonymous change with potential effect on a donor site, without proven consequence on splicing (no functional evidence available) (exon 16). (P) 0251 - Variant is heterozygous. (N) 0301 - Variant is absent from gnomAD. (P) 0505 - Abnormal splicing is not predicted by in silico tools but the affected nucleotide is highly conserved. (N) 0705 - No comparable variants have previous evidence for pathogenicity. (N) 0807 - Variant has not previously been reported in a clinical context. (N) 0905 - No segregation evidence has been identified for this variant. (N) 1007 - No published functional evidence has been identified for this variant. (N) 1208 - Inheritance information for this variant is not currently available. (N) Legend: (P) - Pathogenic, (N) - Neutral, (B) - Benign

NM_024757.5(EHMT1):c.2505G>A (p.Lys835=)

Gene: EHMT1 (euchromatic histone lysine methyltransferase 1; plus strand). Cytogenetic location: 9q34.3.
Variant type: single nucleotide variant.
Coding change: c.2505G>A on transcript NM_024757.5 (MANE Select); coding-DNA position 2505, G replaced by A.
Protein change: p.Lys835=; no amino-acid change (lysine 835 retained).
Molecular consequence: synonymous variant.
Genome position (GRCh38, 1-based): chr9:137,790,970, G>A. VCF-style: chr9-137790970-G-A. GRCh37 (hg19) VCF-style: chr9-140685422-G-A.
Other names: c.2412G>A, p.Lys804= (NM_001354259.2); c.2484G>A, p.Lys828= (NM_001354263.2).
Identifiers: ClinVar variation 1805630 (VCV001805630.1), dbSNP rs2538204174, ClinGen allele CA467877421.